The following is an entry in ClinVar:

ClinVar aggregate classification (germline): Uncertain significance. Review status: criteria provided, multiple submitters, no conflicts (2 of 4 stars). 4 submissions from 4 submitters: Uncertain significance (4). Last evaluated 2023-04-17.

Conditions:
Beta-D-mannosidosis (MANSB). Also called: MANNOSIDOSIS, BETA A, LYSOSOMAL; BETA-MANNOSIDASE DEFICIENCY; LYSOSOMAL BETA-MANNOSIDASE DEFICIENCY; Beta-Mannosidosis. Identifiers: Orphanet 118, MedGen C4048196, MONDO:0009562, OMIM 248510.
Inborn genetic diseases. Identifiers: MedGen C0950123, MeSH D030342.

Allele frequency attached by ClinVar (database versions not stated): ExAC 0.00004; 1000 Genomes Project 30x 0.00016; gnomAD exomes 0.00003 and 0.00002; gnomAD 0.00001; TOPMed 0.00002.
gnomAD v4.1: 33 of 1,614,142 alleles (0.002%); highest among the groups gnomAD compares: Middle Eastern, 0.033%; no homozygotes.

Submissions (4):

Ambry Genetics
Classification: Uncertain significance for Inborn genetic diseases. Last evaluated: 2023-04-17. Review status: criteria provided, single submitter. Criteria: Ambry Variant Classification Scheme 2023. Collection method: clinical testing. Allele origin: germline.

Labcorp Genetics (formerly Invitae), Labcorp
Classification: Uncertain significance for Beta-D-mannosidosis. Last evaluated: 2022-03-28. Review status: criteria provided, single submitter. Criteria: Invitae Variant Classification Sherloc (09022015). Collection method: clinical testing. Allele origin: germline.
Comment: This sequence change replaces threonine, which is neutral and polar, with isoleucine, which is neutral and non-polar, at codon 736 of the MANBA protein (p.Thr736Ile). This variant is present in population databases (rs202100945, gnomAD 0.01%). This variant has not been reported in the literature in individuals affected with MANBA-related conditions. ClinVar contains an entry for this variant (Variation ID: 1325622). Algorithms developed to predict the effect of missense changes on protein structure and function (SIFT, PolyPhen-2, Align-GVGD) all suggest that this variant is likely to be tolerated. In summary, the available evidence is currently insufficient to determine the role of this variant in disease. Therefore, it has been classified as a Variant of Uncertain Significance.

Revvity Omics, Revvity
Classification: Uncertain significance for Beta-D-mannosidosis. Last evaluated: 2021-01-27. Review status: criteria provided, single submitter. Criteria: ACMG Guidelines, 2015. Collection method: clinical testing. Allele origin: germline.

New York Genome Center
Classification: Uncertain significance for Beta-D-mannosidosis. Last evaluated: 2020-04-13. Review status: criteria provided, single submitter. Criteria: NYGC Assertion Criteria 2020. Collection method: clinical testing. Allele origin: germline. Observed: 1 heterozygote. Study: CSER-NYCKidSeq.

NM_005908.4(MANBA):c.2207C>T (p.Thr736Ile)

Gene: MANBA (mannosidase beta; minus strand). Cytogenetic location: 4q24.
Variant type: single nucleotide variant.
Coding change: c.2207C>T on transcript NM_005908.4 (MANE Select); coding-DNA position 2207, C replaced by T.
Protein change: p.Thr736Ile; replaces threonine 736 with isoleucine.
Molecular consequence: missense variant.
Genome position (GRCh38, 1-based): chr4:102,634,996, G>A on the plus strand (C>T on the coding strand, the complement: MANBA is on the minus strand). VCF-style: chr4-102634996-G-A. GRCh37 (hg19) VCF-style: chr4-103556153-G-A.
Other names: short protein forms T736I.
Identifiers: ClinVar variation 1325622 (VCV001325622.7), dbSNP rs202100945, ClinGen allele CA3026669.